The following is an entry in ClinVar:

ClinVar aggregate classification (germline): Uncertain significance (1 of 4 stars; one submission).

Conditions:
Glycogen storage disease, type VII (GSD7). Also called: TARUI DISEASE; GSD VII; MUSCLE PHOSPHOFRUCTOKINASE DEFICIENCY; PFKM DEFICIENCY. Identifiers: Orphanet 371, MedGen C0017926, MONDO:0009295, OMIM 232800.

Allele frequency attached by ClinVar (database versions not stated): ExAC 0.00001; gnomAD 0.00001; gnomAD exomes 0.00001 and 0.00002; TOPMed 0.00001.
gnomAD v4.1: 9 of 1,613,960 alleles (0.00056%); highest among the groups gnomAD compares: Admixed American, 0.012%; no homozygotes.

Submission:

Labcorp Genetics (formerly Invitae), Labcorp
Classification: Uncertain significance for Glycogen storage disease, type VII. Last evaluated: 2025-05-28. Review status: criteria provided, single submitter. Criteria: Invitae Variant Classification Sherloc (09022015). Collection method: clinical testing. Allele origin: germline.
Comment: This sequence change replaces lysine, which is basic and polar, with arginine, which is basic and polar, at codon 107 of the PFKM protein (p.Lys107Arg). This variant is present in population databases (rs763214745, gnomAD 0.01%). This variant has not been reported in the literature in individuals affected with PFKM-related conditions. ClinVar contains an entry for this variant (Variation ID: 1470814). Invitae Evidence Modeling of protein sequence and biophysical properties (such as structural, functional, and spatial information, amino acid conservation, physicochemical variation, residue mobility, and thermodynamic stability) indicates that this missense variant is not expected to disrupt PFKM protein function with a negative predictive value of 95%. In summary, the available evidence is currently insufficient to determine the role of this variant in disease. Therefore, it has been classified as a Variant of Uncertain Significance.

NM_000289.6(PFKM):c.320A>G (p.Lys107Arg)

Gene: PFKM (phosphofructokinase, muscle; plus strand). Cytogenetic location: 12q13.11.
Variant type: single nucleotide variant.
Coding change: c.320A>G on transcript NM_000289.6 (MANE Select); coding-DNA position 320, A replaced by G.
Protein change: p.Lys107Arg; replaces lysine 107 with arginine.
Molecular consequence: missense variant. On other transcripts: non-coding transcript variant (6).
Genome position (GRCh38, 1-based): chr12:48,132,950, A>G. VCF-style: chr12-48132950-A-G. GRCh37 (hg19) VCF-style: chr12-48526733-A-G.
Other names: c.533A>G, p.Lys178Arg (NM_001166686.2, NM_001354737.1, NM_001354738.1 and 1 more transcripts); c.320A>G, p.Lys107Arg (NM_001166687.2, NM_001166688.2, NM_001354742.2 and 4 more transcripts); c.629A>G, p.Lys210Arg (NM_001354735.1, NM_001354736.1); c.464A>G, p.Lys155Arg (NM_001354740.1); c.344A>G, p.Lys115Arg (NM_001354741.2); c.233A>G, p.Lys78Arg (NM_001354745.2); c.170A>G, p.Lys57Arg (NM_001354747.2, NM_001354748.2); short protein forms K178R, K210R, K57R, K155R, K107R, K115R, K78R.
Identifiers: ClinVar variation 1470814 (VCV001470814.4), dbSNP rs763214745, ClinGen allele CA6536966.